The following is an entry in ClinVar:

NM_001768.7(CD8A):c.316C>T (p.Arg106Cys)

Gene: CD8A (CD8 subunit alpha; minus strand). Cytogenetic location: 2p11.2.
Variant type: single nucleotide variant.
Coding change: c.316C>T on transcript NM_001768.7 (MANE Select); coding-DNA position 316, C replaced by T.
Protein change: p.Arg106Cys; replaces arginine 106 with cysteine.
Molecular consequence: missense variant. On other transcripts: non-coding transcript variant (3).
Genome position (GRCh38, 1-based): chr2:86,790,415, G>A on the plus strand (C>T on the coding strand, the complement: CD8A is on the minus strand). VCF-style: chr2-86790415-G-A. GRCh37 (hg19) VCF-style: chr2-87017538-G-A.
Other names: c.316C>T, p.Arg106Cys (NM_001145873.1, NM_001382698.1, NM_171827.4); short protein forms R106C.
Identifiers: ClinVar variation 945603 (VCV000945603.7), dbSNP rs200418942, ClinGen allele CA1751227.
Genomic context (GRCh38, chr2:86,790,415, plus strand): 5'-TGAAGTACATGATGGAGTTGCTCAGGGCCGAGCAGAAATAGTAGCCCTCGTTCTCTCGGC[G>A]GAAGTCGCTCAGGGTGAGGACGAAGGTGTCCCCCAACCTCTTGCCCGAGAACCGCTGGGT-3'
Protein context (NP_001759.3, residues 96-116): DTFVLTLSDF[Arg106Cys]RENEGYYFCS

ClinVar aggregate classification (germline): Uncertain significance (1 of 4 stars; one submission).

Conditions:
Susceptibility to respiratory infections associated with CD8alpha chain mutation (IMD116). Also called: IMMUNODEFICIENCY 116; Cd8 deficiency, familial. Identifiers: Orphanet 169085, MedGen C1837065, MONDO:0012161, OMIM 608957.

Allele frequency attached by ClinVar (database versions not stated): gnomAD exomes 0.00001 and 0.00004; ExAC 0.00004; gnomAD 0.00009 and 0.00010; TOPMed 0.00009; 1000 Genomes Project 0.00040; 1000 Genomes Project 30x 0.00047.

Submission:

Labcorp Genetics (formerly Invitae), Labcorp
Classification: Uncertain significance for Susceptibility to respiratory infections associated with CD8alpha chain mutation. Last evaluated: 2022-03-28. Review status: criteria provided, single submitter. Criteria: Invitae Variant Classification Sherloc (09022015). Collection method: clinical testing. Allele origin: germline.
Comment: This sequence change replaces arginine, which is basic and polar, with cysteine, which is neutral and slightly polar, at codon 106 of the CD8A protein (p.Arg106Cys). This variant is present in population databases (rs200418942, gnomAD 0.03%). This variant has not been reported in the literature in individuals affected with CD8A-related conditions. ClinVar contains an entry for this variant (Variation ID: 945603). Algorithms developed to predict the effect of missense changes on protein structure and function are either unavailable or do not agree on the potential impact of this missense change (SIFT: "Deleterious"; PolyPhen-2: "Probably Damaging"; Align-GVGD: "Class C0"). In summary, the available evidence is currently insufficient to determine the role of this variant in disease. Therefore, it has been classified as a Variant of Uncertain Significance.